The following is an entry in ClinVar:

NM_001042492.3(NF1):c.5769G>A (p.Thr1923=)

Gene: NF1 (neurofibromin 1; plus strand). Cytogenetic location: 17q11.2.
Variant type: single nucleotide variant.
Coding change: c.5769G>A on transcript NM_001042492.3 (MANE Select); coding-DNA position 5769, G replaced by A.
Protein change: p.Thr1923=; no amino-acid change (threonine 1923 retained).
Molecular consequence: synonymous variant.
Genome position (GRCh38, 1-based): chr17:31,330,455, G>A. VCF-style: chr17-31330455-G-A. GRCh37 (hg19) VCF-style: chr17-29657473-G-A.
Other names: c.5706G>A, p.Thr1902= (NM_000267.4).
Identifiers: ClinVar variation 457762 (VCV000457762.43), dbSNP rs780145472, ClinGen allele CA8487221.
Genomic context (GRCh38, chr17:31,330,455, plus strand): 5'-CAACACCCTCTTTATTGTCTCTATTAGTAAGACACTGGCAGCCAATGAGCCACACCTCAC[G>A]TTAGAATTTTTGGAAGAGTGTATTTCTGGATTTAGCAAATCTAGTAAGTAATGATAATTT-3'
Protein context (NP_001035957.1, residues 1913-1933): KTLAANEPHL[Thr1923=]LEFLEECISG

ClinVar aggregate classification (germline): Benign/Likely benign. Review status: criteria provided, multiple submitters, no conflicts (2 of 4 stars). 5 submissions from 5 submitters: Benign (1); Likely benign (4). Last evaluated 2026-05-20.

Conditions:
Neurofibromatosis, type 1 (NF1). Also called: Neurofibromatosis, type I; NEUROFIBROMATOSIS, TYPE I, SOMATIC; Peripheral type neurofibromatosis; VON RECKLINGHAUSEN DISEASE. Identifiers: Orphanet 636, MedGen C0027831, MONDO:0018975, OMIM 162200. Disease mechanism: loss of function.

Allele frequency attached by ClinVar (database versions not stated): TOPMed below 0.00001; gnomAD 0.00001.
gnomAD v4.1: 14 of 1,613,630 alleles (0.00087%); highest among the groups gnomAD compares: South Asian, 0.0022%; no homozygotes.

Submissions (5):

Myriad Genetics, Inc.
Classification: Benign for Neurofibromatosis, type 1. Last evaluated: 2026-05-20. Review status: criteria provided, single submitter. Criteria: Myriad Autosomal Dominant, Autosomal Recessive and X-Linked Classification Criteria (2023). Collection method: clinical testing. Allele origin: unknown.
Comment: This variant is considered benign. This variant is a silent/synonymous amino acid change and it is not expected to impact splicing.

Labcorp Genetics (formerly Invitae), Labcorp
Classification: Likely benign for Neurofibromatosis, type 1. Last evaluated: 2025-12-21. Review status: criteria provided, single submitter. Criteria: Invitae Variant Classification Sherloc (09022015). Collection method: clinical testing. Allele origin: germline.

Women's Health and Genetics/Laboratory Corporation of America, LabCorp
Classification: Likely benign. Last evaluated: 2025-04-06. Review status: criteria provided, single submitter. Criteria: LabCorp Variant Classification Summary - May 2015. Collection method: clinical testing. Allele origin: germline.

CeGaT Center for Human Genetics Tuebingen
Classification: Likely benign. Last evaluated: 2022-06-01. Review status: criteria provided, single submitter. Criteria: CeGaT Center For Human Genetics Tuebingen Variant Classification Criteria Version 2. Collection method: clinical testing. Allele origin: germline. Affected: yes. Observed: 1 variant allele.
Comment: NF1: BP4, BP7

Genome-Nilou Lab
Classification: Likely benign for Neurofibromatosis, type 1. Last evaluated: 2022-03-15. Review status: criteria provided, single submitter. Criteria: ACMG Guidelines, 2015. Collection method: clinical testing. Allele origin: germline. Affected: no.

Literature cited by the submitters: PubMed 10678181 (cited by Women's Health and Genetics/Laboratory Corporation of America, LabCorp); PubMed 23460398 (cited by Women's Health and Genetics/Laboratory Corporation of America, LabCorp).